The following is an entry in ClinVar:

ClinVar aggregate classification (germline): Uncertain significance (1 of 4 stars; one submission).

Allele frequency attached by ClinVar (database versions not stated): gnomAD 0.00001; gnomAD exomes 0.00001; TOPMed 0.00001.
gnomAD v4.1: 4 of 1,614,014 alleles (0.00025%); highest among the groups gnomAD compares: African/African-American, 0.0027%; no homozygotes.

Submission:

Labcorp Genetics (formerly Invitae), Labcorp
Classification: Uncertain significance. Last evaluated: 2022-06-13. Review status: criteria provided, single submitter. Criteria: Invitae Variant Classification Sherloc (09022015). Collection method: clinical testing. Allele origin: germline.
Comment: Algorithms developed to predict the effect of missense changes on protein structure and function (SIFT, PolyPhen-2, Align-GVGD) all suggest that this variant is likely to be tolerated. In summary, the available evidence is currently insufficient to determine the role of this variant in disease. Therefore, it has been classified as a Variant of Uncertain Significance. This variant has not been reported in the literature in individuals affected with ERBIN-related conditions. This variant is not present in population databases (gnomAD no frequency). This sequence change replaces alanine, which is neutral and non-polar, with valine, which is neutral and non-polar, at codon 1041 of the ERBIN protein (p.Ala1041Val).

NM_001253697.2(ERBIN):c.3122C>T (p.Ala1041Val)

Gene: ERBIN (erbb2 interacting protein; plus strand). Cytogenetic location: 5q12.3.
Variant type: single nucleotide variant.
Coding change: c.3122C>T on transcript NM_001253697.2 (MANE Select); coding-DNA position 3122, C replaced by T.
Protein change: p.Ala1041Val; replaces alanine 1041 with valine.
Molecular consequence: missense variant.
Genome position (GRCh38, 1-based): chr5:66,054,440, C>T. VCF-style: chr5-66054440-C-T. GRCh37 (hg19) VCF-style: chr5-65350268-C-T.
Other names: c.3122C>T, p.Ala1041Val (NM_001006600.3, NM_001253698.2, NM_001253699.2 and 1 more transcripts); c.3110C>T, p.Ala1037Val (NM_001253701.2); short protein forms A1037V, A1041V.
Identifiers: ClinVar variation 2180051 (VCV002180051.4), dbSNP rs938423045, ClinGen allele CA119868487.